The following is an entry in ClinVar:

ClinVar aggregate classification (germline): Pathogenic (1 of 4 stars; one submission).

Conditions:
Sulfite oxidase deficiency due to molybdenum cofactor deficiency type C. Also called: Molybdenum cofactor deficiency C; Molybdenum cofactor deficiency, complementation group C. Identifiers: Orphanet 308400, Orphanet 833, MedGen C1854990, MONDO:0014212, OMIM 615501.

Submission:

Labcorp Genetics (formerly Invitae), Labcorp
Classification: Pathogenic for Sulfite oxidase deficiency due to molybdenum cofactor deficiency type C. Last evaluated: 2024-03-19. Review status: criteria provided, single submitter. Criteria: Invitae Variant Classification Sherloc (09022015). Collection method: clinical testing. Allele origin: germline.
Comment: This sequence change creates a premature translational stop signal (p.Arg93*) in the GPHN gene. It is expected to result in an absent or disrupted protein product. Loss-of-function variants in GPHN are known to be pathogenic (PMID: 11095995, 23184456, 23393157, 24561070, 26613940). This variant is not present in population databases (gnomAD no frequency). This variant has not been reported in the literature in individuals affected with GPHN-related conditions. ClinVar contains an entry for this variant (Variation ID: 1458569). For these reasons, this variant has been classified as Pathogenic.

Literature cited by the submitters: PubMed 11095995; PubMed 23184456; PubMed 23393157; PubMed 24561070; PubMed 26613940.

NM_020806.5(GPHN):c.277C>T (p.Arg93Ter)

Gene: GPHN (gephyrin; plus strand). Cytogenetic location: 14q23.3.
Variant type: single nucleotide variant.
Coding change: c.277C>T on transcript NM_020806.5 (MANE Select); coding-DNA position 277, C replaced by T.
Protein change: p.Arg93Ter; replaces arginine 93 with a stop codon.
Molecular consequence: nonsense.
Genome position (GRCh38, 1-based): chr14:66,824,549, C>T. VCF-style: chr14-66824549-C-T. GRCh37 (hg19) VCF-style: chr14-67291267-C-T.
Other names: c.277C>T, p.Arg93Ter (NM_001024218.2, NM_001377514.1, NM_001377515.1 and 4 more transcripts); short protein forms R93*.
Identifiers: ClinVar variation 1458569 (VCV001458569.6), dbSNP rs2061323841, ClinGen allele CA390255576.